The following is an entry in ClinVar:

ClinVar aggregate classification (germline): Uncertain significance (1 of 4 stars; one submission).

Conditions:
Familial hypocalciuric hypercalcemia (FHH). Also called: Familial benign hypercalcemia. Identifiers: Orphanet 405, MedGen C1809471, MONDO:0018458.
Autosomal dominant hypocalcemia 1 (HYPOC1). Also called: HYPOCALCEMIA, FAMILIAL. Identifiers: MedGen C3715128, MONDO:0011013, OMIM 601198.

Allele frequency attached by ClinVar (database versions not stated): gnomAD exomes 0.00001.
gnomAD v4.1: 5 of 1,614,162 alleles (0.00031%); highest among the groups gnomAD compares: South Asian, 0.0055%; no homozygotes.

Submission:

Labcorp Genetics (formerly Invitae), Labcorp
Classification: Uncertain significance for Familial hypocalciuric hypercalcemia; Autosomal dominant hypocalcemia 1. Last evaluated: 2024-01-18. Review status: criteria provided, single submitter. Criteria: Invitae Variant Classification Sherloc (09022015). Collection method: clinical testing. Allele origin: germline.
Comment: This sequence change replaces phenylalanine, which is neutral and non-polar, with valine, which is neutral and non-polar, at codon 311 of the CASR protein (p.Phe311Val). This variant is not present in population databases (gnomAD no frequency). This variant has not been reported in the literature in individuals affected with CASR-related conditions. ClinVar contains an entry for this variant (Variation ID: 1360197). An algorithm developed to predict the effect of missense changes on protein structure and function (PolyPhen-2) suggests that this variant is likely to be tolerated. In summary, the available evidence is currently insufficient to determine the role of this variant in disease. Therefore, it has been classified as a Variant of Uncertain Significance.

NM_000388.4(CASR):c.931T>G (p.Phe311Val)

Gene: CASR (calcium sensing receptor; plus strand). Cytogenetic location: 3q21.1.
Variant type: single nucleotide variant.
Coding change: c.931T>G on transcript NM_000388.4 (MANE Select); coding-DNA position 931, T replaced by G.
Protein change: p.Phe311Val; replaces phenylalanine 311 with valine.
Molecular consequence: missense variant.
Genome position (GRCh38, 1-based): chr3:122,261,966, T>G. VCF-style: chr3-122261966-T-G. GRCh37 (hg19) VCF-style: chr3-121980813-T-G.
Other names: c.931T>G, p.Phe311Val (NM_001178065.2); short protein forms F311V.
Identifiers: ClinVar variation 1360197 (VCV001360197.8), dbSNP rs2107632568, ClinGen allele CA354151660.